The following is an entry in ClinVar:

ClinVar aggregate classification (germline): Uncertain significance (1 of 4 stars; one submission).

Conditions:
Hereditary cancer-predisposing syndrome. Also called: Hereditary neoplastic syndrome; Neoplastic Syndromes, Hereditary; Tumor predisposition; Hereditary Cancer Syndrome. Identifiers: Orphanet 140162, MedGen C0027672, MeSH D009386, MONDO:0015356.

Submission:

Ambry Genetics
Classification: Uncertain significance for Hereditary cancer-predisposing syndrome. Last evaluated: 2020-09-01. Review status: criteria provided, single submitter. Criteria: Ambry Variant Classification Scheme 2023. Collection method: clinical testing. Allele origin: germline.
Comment: The c.7927+3A>C intronic variant results from an A to C substitution 3 nucleotides after coding exon 52 in the ATM gene. This nucleotide position is well conserved in available vertebrate species. In silico splice site analysis predicts that this alteration will weaken the native splice donor site. Since supporting evidence is limited at this time, the clinical significance of this alteration remains unclear.

NM_000051.4(ATM):c.7927+3A>C

Genes: ATM (ATM serine/threonine kinase; plus strand), C11orf65 (chromosome 11 open reading frame 65; minus strand). Cytogenetic location: 11q22.3.
Variant type: single nucleotide variant.
Coding change: c.7927+3A>C on transcript NM_000051.4 (MANE Select); 3 bases into the intron after coding-DNA position 7927, A replaced by C.
Molecular consequence: intron variant.
Genome position (GRCh38, 1-based): chr11:108,332,903, A>C. VCF-style: chr11-108332903-A-C. GRCh37 (hg19) VCF-style: chr11-108203630-A-C.
Other names: c.7927+3A>C (NM_001351834.2); c.641-23832T>G (NM_001330368.2); c.*38+2317T>G (NM_001351110.2).
Identifiers: ClinVar variation 1761249 (VCV001761249.2), dbSNP rs772572722, ClinGen allele CA2580083558.